The following is an entry in ClinVar:

ClinVar aggregate classification (germline): Conflicting classifications of pathogenicity. Review status: criteria provided, conflicting classifications (1 of 4 stars). 5 submissions from 5 submitters: Uncertain significance (4); Likely benign (1). Last evaluated 2026-10-21.

Conditions:
Familial hypercholesterolemia. Also called: Familial hypercholesterolemias; Familial hypercholesterolaemia. Identifiers: MedGen C0020445, MONDO:0005439.
Familial hypobetalipoproteinemia 1. Also called: Hypobetalipoproteinemia, normotriglyceridemic; Acanthocytosis with hypobetalipoproteinemia; APOB-Related Familial Hypobetalipoproteinemia. Identifiers: MedGen C4551990, MONDO:0014252, OMIM 615558.
Hypercholesterolemia, autosomal dominant, type B (FHCL2). Also called: APOLIPOPROTEIN B-100, FAMILIAL LIGAND-DEFECTIVE; APOLIPOPROTEIN B-100, FAMILIAL DEFECTIVE; Hyperlipoproteinemia Type IIb; Familial Hypercholesterolemia Type B; Familial hypercholesterolemia 2; APOB-Related Familial Hypercholesterolemia, Autosomal Dominant. Identifiers: MedGen C1704417, MONDO:0007751, OMIM 144010.
Cardiovascular phenotype. Identifiers: MedGen CN230736.

Allele frequency attached by ClinVar (database versions not stated): ExAC 0.00002; TOPMed 0.00004; ESP Exome Variant Server 0.00008; gnomAD 0.00003; gnomAD exomes 0.00002 and 0.00005.
gnomAD v4.1: 76 of 1,613,914 alleles (0.0047%); highest among the groups gnomAD compares: Non-Finnish European, 0.0064%; no homozygotes.

Submissions (5):

GeneDx
Classification: Uncertain significance. Last evaluated: 2026-10-21. Review status: criteria provided, single submitter. Criteria: GeneDx Variant Classification Process June 2021. Collection method: clinical testing. Allele origin: germline.
Comment: Has not been previously published as pathogenic or benign to our knowledge; In silico analysis suggests that this missense variant does not alter protein structure/function; This variant is associated with the following publications: (PMID: 30076208)

Cambridge Genomics Laboratory, East Genomic Laboratory Hub, NHS Genomic Medicine Service
Classification: Uncertain significance for Familial hypercholesterolaemia. Last evaluated: 2025-06-19. Review status: criteria provided, single submitter. Criteria: ACGS Best Practice Guidelines for Variant Classification in Rare Disease 2020. Collection method: clinical testing. Allele origin: germline. Affected: yes.
Comment: PS4_Supporting,PM1_Supporting,PM2,BP4

Labcorp Genetics (formerly Invitae), Labcorp
Classification: Likely benign for Familial hypobetalipoproteinemia 1; Hypercholesterolemia, autosomal dominant, type B. Last evaluated: 2025-05-11. Review status: criteria provided, single submitter. Criteria: Invitae Variant Classification Sherloc (09022015). Collection method: clinical testing. Allele origin: germline.

Molecular Diagnostic Laboratory for Inherited Cardiovascular Disease, Montreal Heart Institute
Classification: Uncertain significance for Cardiovascular phenotype. Last evaluated: 2025-04-09. Review status: criteria provided, single submitter. Criteria: ACMG Guidelines, 2015. Collection method: clinical testing. Allele origin: germline. Affected: yes.

Ambry Genetics
Classification: Uncertain significance for Cardiovascular phenotype. Last evaluated: 2025-01-27. Review status: criteria provided, single submitter. Criteria: Ambry Variant Classification Scheme 2023. Collection method: clinical testing. Allele origin: germline.

NM_000384.3(APOB):c.9738T>G (p.Phe3246Leu)

Gene: APOB (apolipoprotein B; minus strand). Cytogenetic location: 2p24.1.
Variant type: single nucleotide variant.
Coding change: c.9738T>G on transcript NM_000384.3 (MANE Select); coding-DNA position 9738, T replaced by G.
Protein change: p.Phe3246Leu; replaces phenylalanine 3246 with leucine.
Molecular consequence: missense variant.
Genome position (GRCh38, 1-based): chr2:21,007,130, A>C on the plus strand (T>G on the coding strand, the complement: APOB is on the minus strand). VCF-style: chr2-21007130-A-C. GRCh37 (hg19) VCF-style: chr2-21230002-A-C.
Other names: short protein forms F3246L.
Identifiers: ClinVar variation 577896 (VCV000577896.19), dbSNP rs368703055, ClinGen allele CA066814.